The following is an entry in ClinVar:

NM_201548.5(CERKL):c.901G>A (p.Val301Ile)

Gene: CERKL (CERK like autophagy regulator; minus strand). Cytogenetic location: 2q31.3.
Variant type: single nucleotide variant.
Coding change: c.901G>A on transcript NM_201548.5 (MANE Select); coding-DNA position 901, G replaced by A.
Protein change: p.Val301Ile; replaces valine 301 with isoleucine.
Molecular consequence: missense variant. On other transcripts: non-coding transcript variant (2).
Genome position (GRCh38, 1-based): chr2:181,548,852, C>T on the plus strand (G>A on the coding strand, the complement: CERKL is on the minus strand). VCF-style: chr2-181548852-C-T. GRCh37 (hg19) VCF-style: chr2-182413579-C-T.
Other names: c.979G>A, p.Val327Ile (NM_001030311.3); c.562G>A, p.Val188Ile (NM_001030312.3); c.694G>A, p.Val232Ile (NM_001030313.3); c.847G>A, p.Val283Ile (NM_001160277.2); short protein forms V283I, V188I, V232I, V327I, V301I.
Identifiers: ClinVar variation 1041074 (VCV001041074.9), dbSNP rs1453612133, ClinGen allele CA349737520.

ClinVar aggregate classification (germline): Uncertain significance. Review status: criteria provided, single submitter (1 of 4 stars). 2 submissions from 2 submitters: Uncertain significance (1). 1 of the submissions does not count toward it. Last evaluated 2022-07-06.

Conditions:
Retinitis pigmentosa 26 (RP26). Identifiers: Orphanet 791, MedGen C1842127, MONDO:0012024, OMIM 608380.

Allele frequency attached by ClinVar (database versions not stated): TOPMed below 0.00001; gnomAD exomes 0.00002.
gnomAD v4.1: 28 of 1,613,656 alleles (0.0017%); highest among the groups gnomAD compares: Non-Finnish European, 0.0023%; no homozygotes.

Submissions (2):

Labcorp Genetics (formerly Invitae), Labcorp
Classification: Uncertain significance. Last evaluated: 2022-07-06. Review status: criteria provided, single submitter. Criteria: Invitae Variant Classification Sherloc (09022015). Collection method: clinical testing. Allele origin: germline.
Comment: In summary, the available evidence is currently insufficient to determine the role of this variant in disease. Therefore, it has been classified as a Variant of Uncertain Significance. Algorithms developed to predict the effect of missense changes on protein structure and function output the following: SIFT: "Tolerated"; PolyPhen-2: "Benign"; Align-GVGD: "Class C0". The isoleucine amino acid residue is found in multiple mammalian species, which suggests that this missense change does not adversely affect protein function. ClinVar contains an entry for this variant (Variation ID: 1041074). This variant has not been reported in the literature in individuals affected with CERKL-related conditions. This variant is not present in population databases (gnomAD no frequency). This sequence change replaces valine, which is neutral and non-polar, with isoleucine, which is neutral and non-polar, at codon 327 of the CERKL protein (p.Val327Ile).

Natera, Inc.
Classification: Uncertain significance for Retinitis Pigmentosa 26. Last evaluated: 2020-03-24. Review status: no assertion criteria provided. Collection method: clinical testing. Allele origin: germline. Not counted in ClinVar's aggregate classification.